The following is an entry in ClinVar:

NM_006147.4(IRF6):c.1045G>T (p.Glu349Ter)

Gene: IRF6 (interferon regulatory factor 6; minus strand). Cytogenetic location: 1q32.2.
Variant type: single nucleotide variant.
Coding change: c.1045G>T on transcript NM_006147.4 (MANE Select); coding-DNA position 1045, G replaced by T.
Protein change: p.Glu349Ter; replaces glutamic acid 349 with a stop codon.
Molecular consequence: nonsense.
Genome position (GRCh38, 1-based): chr1:209,790,510, C>A on the plus strand (G>T on the coding strand, the complement: IRF6 is on the minus strand). VCF-style: chr1-209790510-C-A. GRCh37 (hg19) VCF-style: chr1-209963855-C-A.
Other names: c.760G>T, p.Glu254Ter (NM_001206696.2); short protein forms E254*, E349*.
Identifiers: ClinVar variation 1423078 (VCV001423078.6), dbSNP rs2102536764, ClinGen allele CA344575083.

ClinVar aggregate classification (germline): Pathogenic (1 of 4 stars; one submission).

Conditions:
Popliteal pterygium syndrome (PPS). Identifiers: Orphanet 294963, MedGen C0265259, MONDO:0017435.
Orofacial cleft 6, susceptibility to (OFC6). Also called: CLEFT LIP WITH OR WITHOUT CLEFT PALATE, NONSYNDROMIC, 6. Identifiers: MedGen C1837213, MONDO:0012141, OMIM 608864.
Van der Woude syndrome. Identifiers: Orphanet 888, MedGen C0175697, MONDO:0019508.

Submission:

Labcorp Genetics (formerly Invitae), Labcorp
Classification: Pathogenic for Orofacial cleft 6, susceptibility to; Van der Woude syndrome; Popliteal pterygium syndrome. Last evaluated: 2021-03-22. Review status: criteria provided, single submitter. Criteria: Invitae Variant Classification Sherloc (09022015). Collection method: clinical testing. Allele origin: germline.
Comment: For these reasons, this variant has been classified as Pathogenic. This variant has not been reported in the literature in individuals with IRF6-related conditions. This variant is not present in population databases (ExAC no frequency). This sequence change creates a premature translational stop signal (p.Glu349*) in the IRF6 gene. It is expected to result in an absent or disrupted protein product. Loss-of-function variants in IRF6 are known to be pathogenic (PMID: 19282774, 23949966).

Literature cited by the submitters: PubMed 19282774; PubMed 23949966.